The following is an entry in ClinVar:

NM_001103.4(ACTN2):c.2488C>A (p.Gln830Lys)

Gene: ACTN2 (actinin alpha 2; plus strand). Cytogenetic location: 1q43.
Variant type: single nucleotide variant.
Coding change: c.2488C>A on transcript NM_001103.4 (MANE Select); coding-DNA position 2488, C replaced by A.
Protein change: p.Gln830Lys; replaces glutamine 830 with lysine.
Molecular consequence: missense variant. On other transcripts: non-coding transcript variant (1).
Genome position (GRCh38, 1-based): chr1:236,761,135, C>A. VCF-style: chr1-236761135-C-A. GRCh37 (hg19) VCF-style: chr1-236924435-C-A.
Other names: c.2488C>A, p.Gln830Lys (NM_001278343.2); c.1864C>A, p.Gln622Lys (NM_001278344.2); c.1738C>A, p.Gln580Lys (NM_001412150.1); c.2488C>A (NM_001103.2); short protein forms Q580K, Q830K, Q622K.
Identifiers: ClinVar variation 2949521 (VCV002949521.4), dbSNP rs145087599, ClinGen allele CA1473459.

ClinVar aggregate classification (germline): Uncertain significance. Review status: criteria provided, multiple submitters, no conflicts (2 of 4 stars). 2 submissions from 2 submitters: Uncertain significance (2). Last evaluated 2025-10-11.

Conditions:
Cardiovascular phenotype. Identifiers: MedGen CN230736.
Primary familial hypertrophic cardiomyopathy (HCM). Identifiers: Orphanet 99739, MedGen C0949658, MeSH D024741, MONDO:0024573. Inheritance: Various modes of inheritance.
Dilated cardiomyopathy 1AA (CMD1AA). Also called: CARDIOMYOPATHY, DILATED, 1AA, WITH OR WITHOUT LEFT VENTRICULAR NONCOMPACTION; CARDIOMYOPATHY, FAMILIAL HYPERTROPHIC, 23, WITH OR WITHOUT LEFT VENTRICULAR NONCOMPACTION; Cardiomyopathy, dilated, 1AA, with or without LVNC. Identifiers: Orphanet 154, MedGen C2677338, MONDO:0012808, OMIM 612158.

Allele frequency attached by ClinVar (database versions not stated): ExAC 0.00001; gnomAD 0.00001; ESP Exome Variant Server 0.00008.
gnomAD v4.1: 11 of 1,614,078 alleles (0.00068%); highest among the groups gnomAD compares: Non-Finnish European, 0.00025%; no homozygotes.

Submissions (2):

Ambry Genetics
Classification: Uncertain significance for Cardiovascular phenotype. Last evaluated: 2025-10-11. Review status: criteria provided, single submitter. Criteria: Ambry Variant Classification Scheme 2023. Collection method: clinical testing. Allele origin: germline.
Comment: The p.Q830K variant (also known as c.2488C>A), located in coding exon 20 of the ACTN2 gene, results from a C to A substitution at nucleotide position 2488. The glutamine at codon 830 is replaced by lysine, an amino acid with similar properties. This amino acid position is conserved. In addition, this alteration is predicted to be deleterious by in silico analysis. Based on the available evidence, the clinical significance of this variant remains unclear.

Labcorp Genetics (formerly Invitae), Labcorp
Classification: Uncertain significance for Primary familial hypertrophic cardiomyopathy; Dilated cardiomyopathy 1AA. Last evaluated: 2023-10-04. Review status: criteria provided, single submitter. Criteria: Invitae Variant Classification Sherloc (09022015). Collection method: clinical testing. Allele origin: germline.
Comment: This sequence change replaces glutamine, which is neutral and polar, with lysine, which is basic and polar, at codon 830 of the ACTN2 protein (p.Gln830Lys). This variant is present in population databases (rs145087599, gnomAD 0.009%). This variant has not been reported in the literature in individuals affected with ACTN2-related conditions. An algorithm developed to predict the effect of missense changes on protein structure and function (PolyPhen-2) suggests that this variant is likely to be disruptive. In summary, the available evidence is currently insufficient to determine the role of this variant in disease. Therefore, it has been classified as a Variant of Uncertain Significance.